The following is an entry in ClinVar:

NM_016239.4(MYO15A):c.9788-2A>C

Gene: MYO15A (myosin XVA; plus strand). Cytogenetic location: 17p11.2.
Variant type: single nucleotide variant.
Coding change: c.9788-2A>C on transcript NM_016239.4 (MANE Select); the canonical splice acceptor site of the intron before coding-DNA position 9788, A replaced by C.
Molecular consequence: splice acceptor variant.
Genome position (GRCh38, 1-based): chr17:18,166,359, A>C. VCF-style: chr17-18166359-A-C. GRCh37 (hg19) VCF-style: chr17-18069673-A-C.
Identifiers: ClinVar variation 3601432 (VCV003601432.1).
Genomic context (GRCh38, chr17:18,166,359, plus strand): 5'-CAGGTGCACACATGTGTGTGCACACATGCCCCCACCCAGCCCTGCCTCCCTGCTCTCTGC[A>C]GGCCAGCATGTGTGCCCACTCAGTCGCCGTGCTTACATCCTGGATGTGGCCTCAGAGATG-3'

ClinVar aggregate classification (germline): Likely pathogenic (1 of 4 stars; one submission).

Conditions:
Autosomal recessive nonsyndromic hearing loss 3. Also called: NEUROSENSORY NONSYNDROMIC RECESSIVE DEAFNESS 3. Identifiers: Orphanet 90636, MedGen C1838263, MONDO:0010860, OMIM 600316.

Submission:

Institute of Rare Diseases, West China Hospital, Sichuan University
Classification: Likely pathogenic for Autosomal recessive nonsyndromic hearing loss 3. Last evaluated: 2025-01-09. Review status: criteria provided, single submitter. Criteria: ClinGen HL ACMG Specifications v1. Collection method: research. Allele origin: germline. Affected: yes.
Comment: PVS1;PM2_Supporting